The following is an entry in ClinVar:

ClinVar aggregate classification (germline): Uncertain significance. Review status: criteria provided, multiple submitters, no conflicts (2 of 4 stars). 2 submissions from 2 submitters: Uncertain significance (2). Last evaluated 2025-02-26.

Conditions:
Familial hypobetalipoproteinemia 1. Also called: APOB-Related Familial Hypobetalipoproteinemia; Hypobetalipoproteinemia, normotriglyceridemic; Acanthocytosis with hypobetalipoproteinemia. Identifiers: MedGen C4551990, MONDO:0014252, OMIM 615558.
Hypercholesterolemia, autosomal dominant, type B (FHCL2). Also called: APOLIPOPROTEIN B-100, FAMILIAL DEFECTIVE; APOLIPOPROTEIN B-100, FAMILIAL LIGAND-DEFECTIVE; HYPERCHOLESTEROLEMIA, FAMILIAL, DUE TO LIGAND-DEFECTIVE APOLIPOPROTEIN B; Familial Hypercholesterolemia Type B; Familial hypercholesterolemia 2; APOB-Related Familial Hypercholesterolemia, Autosomal Dominant. Identifiers: MedGen C1704417, MONDO:0007751, OMIM 144010.
Cardiovascular phenotype. Identifiers: MedGen CN230736.

Allele frequency attached by ClinVar (database versions not stated): gnomAD exomes below 0.00001.
gnomAD v4.1: 2 of 1,608,278 alleles (0.00012%); highest among the groups gnomAD compares: Admixed American, 0.0017%; no homozygotes.

Submissions (2):

Labcorp Genetics (formerly Invitae), Labcorp
Classification: Uncertain significance for Familial hypobetalipoproteinemia 1; Hypercholesterolemia, autosomal dominant, type B. Last evaluated: 2025-02-26. Review status: criteria provided, single submitter. Criteria: Invitae Variant Classification Sherloc (09022015). Collection method: clinical testing. Allele origin: germline.
Comment: This sequence change replaces arginine, which is basic and polar, with threonine, which is neutral and polar, at codon 4098 of the APOB protein (p.Arg4098Thr). This variant is not present in population databases (gnomAD no frequency). This variant has not been reported in the literature in individuals affected with APOB-related conditions. ClinVar contains an entry for this variant (Variation ID: 2565858). Invitae Evidence Modeling of protein sequence and biophysical properties (such as structural, functional, and spatial information, amino acid conservation, physicochemical variation, residue mobility, and thermodynamic stability) indicates that this missense variant is not expected to disrupt APOB protein function with a negative predictive value of 95%. In summary, the available evidence is currently insufficient to determine the role of this variant in disease. Therefore, it has been classified as a Variant of Uncertain Significance.

Ambry Genetics
Classification: Uncertain significance for Cardiovascular phenotype. Last evaluated: 2023-05-25. Review status: criteria provided, single submitter. Criteria: Ambry Variant Classification Scheme 2023. Collection method: clinical testing. Allele origin: germline.
Comment: The p.R4098T variant (also known as c.12293G>C), located in coding exon 29 of the APOB gene, results from a G to C substitution at nucleotide position 12293. The arginine at codon 4098 is replaced by threonine, an amino acid with similar properties. This amino acid position is poorly conserved in available vertebrate species. In addition, this alteration is predicted to be tolerated by in silico analysis. Since supporting evidence is limited at this time, the clinical significance of this alteration remains unclear.

NM_000384.3(APOB):c.12293G>C (p.Arg4098Thr)

Gene: APOB (apolipoprotein B; minus strand). Cytogenetic location: 2p24.1.
Variant type: single nucleotide variant.
Coding change: c.12293G>C on transcript NM_000384.3 (MANE Select); coding-DNA position 12293, G replaced by C.
Protein change: p.Arg4098Thr; replaces arginine 4098 with threonine.
Molecular consequence: missense variant.
Genome position (GRCh38, 1-based): chr2:21,003,129, C>G on the plus strand (G>C on the coding strand, the complement: APOB is on the minus strand). VCF-style: chr2-21003129-C-G. GRCh37 (hg19) VCF-style: chr2-21226001-C-G.
Other names: short protein forms R4098T.
Identifiers: ClinVar variation 2565858 (VCV002565858.3), dbSNP rs1187966685, ClinGen allele CA345971739.